The following is an entry in ClinVar:

NM_004722.4(AP4M1):c.496C>T (p.Pro166Ser)

Gene: AP4M1 (adaptor related protein complex 4 subunit mu 1; plus strand). Cytogenetic location: 7q22.1.
Variant type: single nucleotide variant.
Coding change: c.496C>T on transcript NM_004722.4 (MANE Select); coding-DNA position 496, C replaced by T.
Protein change: p.Pro166Ser; replaces proline 166 with serine.
Molecular consequence: missense variant.
Genome position (GRCh38, 1-based): chr7:100,103,645, C>T. VCF-style: chr7-100103645-C-T. GRCh37 (hg19) VCF-style: chr7-99701268-C-T.
Other names: c.517C>T, p.Pro173Ser (NM_001363671.2); short protein forms P166S, P173S.
Identifiers: ClinVar variation 388602 (VCV000388602.12), dbSNP rs201290190, ClinGen allele CA4374640.
Genomic context (GRCh38, chr7:100,103,645, plus strand): 5'-TGATTGATTGCTTTGGATGCTTTACAGTTTGGGGCTGAGACACAACAGAGCAAAGTGGCC[C>T]CCAGCAGTGCAGCCAGCCGCCCCGTCCTGTCCAGTCGCTCTGACCAGGTGAGGGAAGGAT-3'
Protein context (NP_004713.2, residues 156-176): GAETQQSKVA[Pro166Ser]SSAASRPVLS

ClinVar aggregate classification (germline): Uncertain significance. Review status: criteria provided, multiple submitters, no conflicts (2 of 4 stars). 3 submissions from 3 submitters: Uncertain significance (3). Last evaluated 2026-01-24.

Conditions:
AP4M1-related disorder. Also called: AP4M1-related condition.
Hereditary spastic paraplegia 50 (SPG50). Also called: Spastic paraplegia 50, autosomal recessive. Identifiers: Orphanet 280763, MedGen C2752008, MONDO:0013048, OMIM 612936.

Allele frequency attached by ClinVar (database versions not stated): gnomAD 0.00003 and 0.00004; ExAC 0.00004; TOPMed 0.00004; gnomAD exomes 0.00005 and 0.00009; ESP Exome Variant Server 0.00008.

Submissions (3):

PreventionGenetics, part of Exact Sciences
Classification: Uncertain significance for AP4M1-related condition. Last evaluated: 2026-01-24. Review status: criteria provided, single submitter. Criteria: ACMG Guidelines, 2015. Collection method: clinical testing. Allele origin: germline.
Comment: The AP4M1 c.496C>T variant is predicted to result in the amino acid substitution p.Pro166Ser. To our knowledge, this variant has not been reported in the literature. This variant is reported in 0.011% of alleles in individuals of European (Non-Finnish) descent in gnomAD. At this time, the clinical significance of this variant is uncertain due to the absence of conclusive functional and genetic evidence.

GeneDx
Classification: Uncertain significance. Last evaluated: 2025-07-24. Review status: criteria provided, single submitter. Criteria: GeneDx Variant Classification Process June 2021. Collection method: clinical testing. Allele origin: germline. Affected: yes.
Comment: Not observed at significant frequency in large population cohorts (gnomAD); In silico analysis supports that this missense variant has a deleterious effect on protein structure/function; Has not been previously published as pathogenic or benign to our knowledge

Labcorp Genetics (formerly Invitae), Labcorp
Classification: Uncertain significance for Hereditary spastic paraplegia 50. Last evaluated: 2025-01-27. Review status: criteria provided, single submitter. Criteria: Invitae Variant Classification Sherloc (09022015). Collection method: clinical testing. Allele origin: germline.
Comment: This sequence change replaces proline, which is neutral and non-polar, with serine, which is neutral and polar, at codon 166 of the AP4M1 protein (p.Pro166Ser). This variant is present in population databases (rs201290190, gnomAD 0.009%). This variant has not been reported in the literature in individuals affected with AP4M1-related conditions. ClinVar contains an entry for this variant (Variation ID: 388602). Invitae Evidence Modeling of protein sequence and biophysical properties (such as structural, functional, and spatial information, amino acid conservation, physicochemical variation, residue mobility, and thermodynamic stability) has been performed for this missense variant. However, the output from this modeling did not meet the statistical confidence thresholds required to predict the impact of this variant on AP4M1 protein function. In summary, the available evidence is currently insufficient to determine the role of this variant in disease. Therefore, it has been classified as a Variant of Uncertain Significance.